The following is an entry in ClinVar:

ClinVar aggregate classification (germline): Uncertain significance. Review status: criteria provided, multiple submitters, no conflicts (2 of 4 stars). 2 submissions from 2 submitters: Uncertain significance (2). Last evaluated 2022-10-17.

Conditions:
Inborn genetic diseases. Identifiers: MedGen C0950123, MeSH D030342.
Granulomatous disease, chronic, autosomal recessive, cytochrome b-positive, type 2. Also called: GRANULOMATOUS DISEASE, CHRONIC, DUE TO NCF2 DEFICIENCY; Chronic granulomatous disease due to deficiency of NCF-2; Chronic Granulomatous Disease, Autosomal Recessive, Cytochrome b-Positive, Type II; GRANULOMATOUS DISEASE, CHRONIC, AUTOSOMAL RECESSIVE, 2; CGD, AUTOSOMAL RECESSIVE CYTOCHROME b-POSITIVE, TYPE II. Identifiers: Orphanet 379, MedGen C1856245, MONDO:0009310, OMIM 233710.

Allele frequency attached by ClinVar (database versions not stated): ExAC 0.00003; gnomAD exomes 0.00004; TOPMed 0.00006; gnomAD 0.00008; ESP Exome Variant Server 0.00015.

Submissions (2):

Labcorp Genetics (formerly Invitae), Labcorp
Classification: Uncertain significance for Granulomatous disease, chronic, autosomal recessive, cytochrome b-positive, type 2. Last evaluated: 2022-10-17. Review status: criteria provided, single submitter. Criteria: Invitae Variant Classification Sherloc (09022015). Collection method: clinical testing. Allele origin: germline.
Comment: This sequence change replaces valine, which is neutral and non-polar, with isoleucine, which is neutral and non-polar, at codon 32 of the NCF2 protein (p.Val32Ile). This variant is present in population databases (rs201869337, gnomAD 0.006%). This variant has not been reported in the literature in individuals affected with NCF2-related conditions. ClinVar contains an entry for this variant (Variation ID: 837163). Advanced modeling of protein sequence and biophysical properties (such as structural, functional, and spatial information, amino acid conservation, physicochemical variation, residue mobility, and thermodynamic stability) performed at Invitae indicates that this missense variant is not expected to disrupt NCF2 protein function. In summary, the available evidence is currently insufficient to determine the role of this variant in disease. Therefore, it has been classified as a Variant of Uncertain Significance.

Ambry Genetics
Classification: Uncertain significance for Inborn genetic diseases. Last evaluated: 2021-07-27. Review status: criteria provided, single submitter. Criteria: Ambry Variant Classification Scheme 2023. Collection method: clinical testing. Allele origin: germline.

NM_000433.4(NCF2):c.94G>A (p.Val32Ile)

Gene: NCF2 (neutrophil cytosolic factor 2; minus strand). Cytogenetic location: 1q25.3.
Variant type: single nucleotide variant.
Coding change: c.94G>A on transcript NM_000433.4 (MANE Select); coding-DNA position 94, G replaced by A.
Protein change: p.Val32Ile; replaces valine 32 with isoleucine.
Molecular consequence: missense variant.
Genome position (GRCh38, 1-based): chr1:183,590,236, C>T on the plus strand (G>A on the coding strand, the complement: NCF2 is on the minus strand). VCF-style: chr1-183590236-C-T. GRCh37 (hg19) VCF-style: chr1-183559371-C-T.
Other names: c.94G>A, p.Val32Ile (NM_001127651.3, NM_001190789.2, NM_001190794.2); short protein forms V32I.
Identifiers: ClinVar variation 837163 (VCV000837163.5), dbSNP rs201869337, ClinGen allele CA1285061.